The following is an entry in ClinVar:

ClinVar aggregate classification (germline): Likely benign (1 of 4 stars; one submission).

Allele frequency attached by ClinVar (database versions not stated): TOPMed 0.00057; 1000 Genomes Project 0.00060; 1000 Genomes Project 30x 0.00062; ExAC 0.00069; gnomAD 0.00076; ESP Exome Variant Server 0.00077; gnomAD exomes 0.00083.

Submission:

CeGaT Center for Human Genetics Tuebingen
Classification: Likely benign. Last evaluated: 2025-12-01. Review status: criteria provided, single submitter. Criteria: CeGaT Center For Human Genetics Tuebingen Variant Classification Criteria Version 2. Collection method: clinical testing. Allele origin: germline. Affected: yes. Observed: 4 variant alleles.
Comment: CDK10: BP4, BP7

NM_052988.5(CDK10):c.936G>A (p.Ala312=)

Gene: CDK10 (cyclin dependent kinase 10; plus strand). Cytogenetic location: 16q24.3.
Variant type: single nucleotide variant.
Coding change: c.936G>A on transcript NM_052988.5 (MANE Select); coding-DNA position 936, G replaced by A.
Protein change: p.Ala312=; no amino-acid change (alanine 312 retained).
Molecular consequence: synonymous variant. On other transcripts: non-coding transcript variant (2).
Genome position (GRCh38, 1-based): chr16:89,695,296, G>A. VCF-style: chr16-89695296-G-A. GRCh37 (hg19) VCF-style: chr16-89761704-G-A.
Other names: c.705G>A, p.Ala235= (NM_001098533.3); c.723G>A, p.Ala241= (NM_001160367.2, NM_052987.4).
Identifiers: ClinVar variation 2647129 (VCV002647129.24), dbSNP rs61740483, ClinGen allele CA8248258.